The following is an entry in ClinVar:

NM_000543.5(SMPD1):c.1491C>G (p.Tyr497Ter)

Gene: SMPD1 (sphingomyelin phosphodiesterase 1; plus strand). Cytogenetic location: 11p15.4.
Variant type: single nucleotide variant.
Coding change: c.1491C>G on transcript NM_000543.5 (MANE Select); coding-DNA position 1491, C replaced by G.
Protein change: p.Tyr497Ter; replaces tyrosine 497 with a stop codon.
Molecular consequence: nonsense. On other transcripts: missense variant (1), non-coding transcript variant (2).
Genome position (GRCh38, 1-based): chr11:6,394,202, C>G. VCF-style: chr11-6394202-C-G. GRCh37 (hg19) VCF-style: chr11-6415432-C-G.
Other names: c.1488C>G, p.Tyr496Ter (NM_001007593.3); c.1511C>G, p.Thr504Ser (NM_001318087.2); c.570C>G, p.Tyr190Ter (NM_001318088.2); c.1359C>G, p.Tyr453Ter (NM_001365135.2); short protein forms Y497*, T504S, Y190*, Y453*, Y496*.
Identifiers: ClinVar variation 551123 (VCV000551123.3), dbSNP rs1554935439, ClinGen allele CA379375741.

ClinVar aggregate classification (germline): Likely pathogenic. Review status: criteria provided, single submitter (1 of 4 stars). 2 submissions from 2 submitters: Likely pathogenic (1). 1 of the submissions does not count toward it. Last evaluated 2024-11-28.

Conditions:
Niemann-Pick disease, type A. Also called: Infantile Neurovisceral ASMD (Niemann-Pick Disease Type A; NPD-A); SPHINGOMYELIN LIPIDOSIS; SPHINGOMYELINASE DEFICIENCY. Identifiers: Orphanet 77292, MedGen C0268242, MONDO:0009756, OMIM 257200. Disease mechanism: loss of function.

Submissions (2):

Natera, Inc.
Classification: Likely pathogenic for Niemann-Pick Disease, Types A/B. Last evaluated: 2024-11-28. Review status: criteria provided, single submitter. Criteria: Natera Variant Classification Schema (03/2026). Collection method: clinical testing. Allele origin: germline.
Comment: The c.1491C>G variant in SMPD1 is a nonsense variant predicted to introduce a stop codon at amino acid 497. This variant is expected to result in nonsense mediated decay, truncation, or a dysfunctional protein product. This variant is rare in the general population with a frequency below the threshold expected for the associated phenotype(s). Given the available evidence, this variant is classified as Likely Pathogenic.

Counsyl
Classification: Likely pathogenic for Niemann-Pick disease, type A. Last evaluated: 2017-03-15. Review status: no assertion criteria provided. Collection method: clinical testing. Allele origin: unknown. Not counted in ClinVar's aggregate classification.

Literature cited by the submitters: PubMed 18052040 (cited by Counsyl).